The following is an entry in ClinVar:

ClinVar aggregate classification (germline): Conflicting classifications of pathogenicity. Review status: criteria provided, conflicting classifications (1 of 4 stars). 4 submissions from 4 submitters: Uncertain significance (3); Likely benign (1). Last evaluated 2026-06-25.

Conditions:
Hereditary cancer-predisposing syndrome. Also called: Tumor predisposition; Hereditary Cancer Syndrome; Neoplastic Syndromes, Hereditary; Hereditary neoplastic syndrome. Identifiers: Orphanet 140162, MedGen C0027672, MeSH D009386, MONDO:0015356.
Hereditary breast ovarian cancer syndrome. Also called: Hereditary breast and ovarian cancer; BRCA1- and BRCA2-Associated Hereditary Breast and Ovarian Cancer; Breast and ovarian cancer; Hereditary breast and/or ovarian cancer syndrome; Hereditary breast and ovarian cancer syndrome; Hereditary breast and ovarian cancer syndrome (HBOC). Identifiers: Orphanet 145, MedGen C0677776, MeSH D061325, MONDO:0003582. Disease mechanism: loss of function.

Allele frequency attached by ClinVar (database versions not stated): ExAC 0.00001.
gnomAD v4.1: 1 of 1,613,350 alleles (0.000062%); highest among the groups gnomAD compares: South Asian, 0.0011%; no homozygotes.

Submissions (4):

Ambry Genetics
Classification: Uncertain significance for Hereditary cancer-predisposing syndrome. Last evaluated: 2026-06-25. Review status: criteria provided, single submitter. Criteria: Ambry Variant Classification Scheme 2023. Collection method: clinical testing. Allele origin: germline.
Comment: The p.V1120L variant (also known as c.3358G>C), located in coding exon 9 of the BRCA1 gene, results from a G to C substitution at nucleotide position 3358. The valine at codon 1120 is replaced by leucine, an amino acid with highly similar properties. This amino acid position is conserved. In addition, the in silico prediction for this alteration is inconclusive. Based on the available evidence, the clinical significance of this variant remains unclear.

Labcorp Genetics (formerly Invitae), Labcorp
Classification: Uncertain significance for Hereditary breast ovarian cancer syndrome. Last evaluated: 2024-05-21. Review status: criteria provided, single submitter. Criteria: Invitae Variant Classification Sherloc (09022015). Collection method: clinical testing. Allele origin: germline.
Comment: This sequence change replaces valine, which is neutral and non-polar, with leucine, which is neutral and non-polar, at codon 1120 of the BRCA1 protein (p.Val1120Leu). This variant is present in population databases (rs748894760, gnomAD 0.003%). This variant has not been reported in the literature in individuals affected with BRCA1-related conditions. ClinVar contains an entry for this variant (Variation ID: 811966). Advanced modeling of protein sequence and biophysical properties (such as structural, functional, and spatial information, amino acid conservation, physicochemical variation, residue mobility, and thermodynamic stability) performed at Invitae indicates that this missense variant is not expected to disrupt BRCA1 protein function with a negative predictive value of 95%. In summary, the available evidence is currently insufficient to determine the role of this variant in disease. Therefore, it has been classified as a Variant of Uncertain Significance.

University of Washington Department of Laboratory Medicine, University of Washington
Classification: Likely benign for Hereditary cancer-predisposing syndrome. Last evaluated: 2023-03-23. Review status: criteria provided, single submitter. Criteria: Dines et al. (Genet Med. 2020). Collection method: curation. Allele origin: germline.
Comment: Missense variant in a coldspot region where missense variants are very unlikely to be pathogenic (PMID:31911673).

BRCA1 coldspot (exon 11 using historical exon numbering). Reclassification based on statistical prior probability

ARUP Laboratories, Molecular Genetics and Genomics, ARUP Laboratories
Classification: Uncertain significance. Last evaluated: 2019-04-06. Review status: criteria provided, single submitter. Criteria: ARUP Molecular Germline Variant Investigation Process. Collection method: clinical testing. Allele origin: germline.
Comment: The BRCA1 c.3358G>C; p.Val1120Leu variant (rs748894760), to our knowledge, is not reported in the medical literature or gene specific databases. This variant is only observed on one allele in the Genome Aggregation Database, indicating it is not a common polymorphism. The valine at codon 1120 is moderately conserved, and computational analyses (SIFT, PolyPhen-2) predict that this variant may be deleterious. However, given the lack of clinical and functional data, the significance of this variant is uncertain at this time.

NM_007294.4(BRCA1):c.3358G>C (p.Val1120Leu)

Genes: BRCA1 (BRCA1 DNA repair associated; minus strand), LOC126862571 (BRD4-independent group 4 enhancer GRCh37_chr17:41243136-41244335; plus strand). Cytogenetic location: 17q21.31.
Variant type: single nucleotide variant.
Coding change: c.3358G>C on transcript NM_007294.4 (MANE Select); coding-DNA position 3358, G replaced by C.
Protein change: p.Val1120Leu; replaces valine 1120 with leucine.
Molecular consequence: missense variant. On other transcripts: intron variant (137).
Genome position (GRCh38, 1-based): chr17:43,092,173, C>G on the plus strand (G>C on the coding strand, the complement: BRCA1 is on the minus strand). VCF-style: chr17-43092173-C-G. GRCh37 (hg19) VCF-style: chr17-41244190-C-G.
Other names: c.3355G>C, p.Val1119Leu (NM_001407610.1, NM_001407611.1, NM_001407612.1 and 22 more transcripts); c.3145G>C, p.Val1049Leu (NM_001407571.1, NM_001407853.1, NM_001407894.1 and 9 more transcripts); c.3358G>C, p.Val1120Leu (NM_001407581.1, NM_001407582.1, NM_001407583.1 and 30 more transcripts); c.3280G>C, p.Val1094Leu (NM_001407655.1, NM_001407656.1, NM_001407657.1 and 4 more transcripts); c.3217G>C, p.Val1073Leu (NM_001407698.1, NM_001407724.1, NM_001407725.1 and 29 more transcripts); c.3277G>C, p.Val1093Leu (NM_001407659.1, NM_001407660.1, NM_001407661.1 and 1 more transcripts); c.3235G>C, p.Val1079Leu (NM_001407664.1, NM_001407665.1, NM_001407666.1 and 19 more transcripts); c.3232G>C, p.Val1078Leu (NM_001407670.1, NM_001407671.1, NM_001407672.1 and 11 more transcripts); and 41 more; short protein forms V1073L, V1120L, V1008L, V1053L, V1117L, V1009L, V1052L, V1079L.
Identifiers: ClinVar variation 811966 (VCV000811966.14), dbSNP rs748894760, ClinGen allele CA057944.